The following is an entry in ClinVar:

ClinVar aggregate classification (germline): Uncertain significance (1 of 4 stars; one submission).

Conditions:
Immunodeficiency. Identifiers: MedGen C0021051, MONDO:0021094, HP:0002721.

gnomAD v4.1: 1 of 1,614,176 alleles (0.000062%); highest among the groups gnomAD compares: Admixed American, 0.0017%; no homozygotes.

Submission:

Labcorp Genetics (formerly Invitae), Labcorp
Classification: Uncertain significance for Immunodeficiency. Last evaluated: 2025-06-04. Review status: criteria provided, single submitter. Criteria: Invitae Variant Classification Sherloc (09022015). Collection method: clinical testing. Allele origin: germline.
Comment: This sequence change replaces alanine, which is neutral and non-polar, with threonine, which is neutral and polar, at codon 1105 of the NFAT5 protein (p.Ala1105Thr). This variant is present in population databases (rs750921653, gnomAD 0.003%). This variant has not been reported in the literature in individuals affected with NFAT5-related conditions. An algorithm developed to predict the effect of missense changes on protein structure and function outputs the following: PolyPhen-2: "Benign". The threonine amino acid residue is found in multiple mammalian species, which suggests that this missense change does not adversely affect protein function. In summary, the available evidence is currently insufficient to determine the role of this variant in disease. Therefore, it has been classified as a Variant of Uncertain Significance.

NM_138713.4(NFAT5):c.3595G>A (p.Ala1199Thr)

Gene: NFAT5 (nuclear factor of activated T cells 5; plus strand). Cytogenetic location: 16q22.1.
Variant type: single nucleotide variant.
Coding change: c.3595G>A on transcript NM_138713.4 (MANE Select); coding-DNA position 3595, G replaced by A.
Protein change: p.Ala1199Thr; replaces alanine 1199 with threonine.
Molecular consequence: missense variant.
Genome position (GRCh38, 1-based): chr16:69,693,420, G>A. VCF-style: chr16-69693420-G-A. GRCh37 (hg19) VCF-style: chr16-69727323-G-A.
Other names: c.3592G>A, p.Ala1198Thr (NM_001113178.3); c.2920G>A, p.Ala974Thr (NM_001367709.1); c.3541G>A, p.Ala1181Thr (NM_006599.4); c.3313G>A, p.Ala1105Thr (NM_138714.4, NM_173214.3, NM_173215.3); short protein forms A1198T, A1199T, A974T, A1105T, A1181T.
Identifiers: ClinVar variation 4696560 (VCV004696560.1).
Genomic context (GRCh38, chr16:69,693,420, plus strand): 5'-TTTGCAGCACCGAACTCAATTTCTCCACTTCAGTCAACATCAAACAGTGAACAACAAGCT[G>A]CTTTCCAACAGCAAGCTCCAATATCACACATCCAGACTCCTATGCTTTCCCAAGAACAGG-3'
Protein context (NP_619727.2, residues 1189-1209): QSTSNSEQQA[Ala1199Thr]FQQQAPISHI